The following is an entry in ClinVar:

NM_002242.4(KCNJ13):c.*2225G>A

Genes: GIGYF2 (GRB10 interacting GYF protein 2; plus strand), KCNJ13 (potassium inwardly rectifying channel subfamily J member 13; minus strand). Cytogenetic location: 2q37.1.
Variant type: single nucleotide variant.
Coding change: c.*2225G>A on transcript NM_002242.4 (MANE Select); 2225 bases downstream of the stop codon, G replaced by A.
Molecular consequence: 3 prime UTR variant. On other transcripts: intron variant (4).
Genome position (GRCh38, 1-based): chr2:232,765,966, C>T on the plus strand (G>A on the coding strand, the complement: KCNJ13 is on the minus strand). VCF-style: chr2-232765966-C-T. GRCh37 (hg19) VCF-style: chr2-233630676-C-T.
Other names: c.*2787G>A (NM_001172416.1); c.*2225G>A (NM_001172417.1); c.532+4530C>T (NM_001103146.3, NM_015575.4, NM_001103147.2 and 1 more transcripts).
Identifiers: ClinVar variation 898161 (VCV000898161.5), dbSNP rs77237820, ClinGen allele CA2169930.

ClinVar aggregate classification (germline): Likely benign. Review status: criteria provided, multiple submitters, no conflicts (2 of 4 stars). 2 submissions from 2 submitters: Likely benign (2). Last evaluated 2018-01-13.

Conditions:
Leber congenital amaurosis 16 (LCA16). Identifiers: Orphanet 65, MedGen C3280062, MONDO:0013613, OMIM 614186.

Allele frequency attached by ClinVar (database versions not stated): 1000 Genomes Project 30x 0.01874; 1000 Genomes Project 0.02017; TOPMed 0.02977; gnomAD 0.03234 and 0.03288; gnomAD exomes 0.03293 and 0.03745; ExAC 0.03632.
gnomAD v4.1: 16,745 of 466,168 alleles (3.6%); highest among the groups gnomAD compares: Non-Finnish European, 4.8%; 392 homozygotes.

Submissions (2):

Illumina Laboratory Services, Illumina
Classification: Likely benign for Leber congenital amaurosis 16. Last evaluated: 2018-01-13. Review status: criteria provided, single submitter. Criteria: ICSL Variant Classification Criteria 13 December 2019. Collection method: clinical testing. Allele origin: germline.
Comment: This variant was observed in the ICSL laboratory as part of a predisposition screen in an ostensibly healthy population. It had not been previously curated by ICSL or reported in the Human Gene Mutation Database (HGMD: prior to June 1st, 2018), and was therefore a candidate for classification through an automated scoring system. Utilizing variant allele frequency, disease prevalence and penetrance estimates, and inheritance mode, an automated score was calculated to assess if this variant is too frequent to cause the disease. Based on the score and internal cut-off values, a variant classified as likely benign is not then subjected to further curation. The score for this variant resulted in a classification of likely benign for this disease.

Breakthrough Genomics
Classification: Likely benign. Review status: criteria provided, single submitter. Criteria: ACMG Guidelines, 2015. Collection method: not provided. Allele origin: germline. Inheritance: Autosomal recessive inheritance. Affected: yes.